The following is an entry in ClinVar:

NM_016580.4(PCDH12):c.1588G>A (p.Gly530Ser)

Genes: PCDH12 (protocadherin 12; minus strand), RNF14 (ring finger protein 14; plus strand). Cytogenetic location: 5q31.3.
Variant type: single nucleotide variant.
Coding change: c.1588G>A on transcript NM_016580.4 (MANE Select); coding-DNA position 1588, G replaced by A.
Protein change: p.Gly530Ser; replaces glycine 530 with serine.
Molecular consequence: missense variant.
Genome position (GRCh38, 1-based): chr5:141,956,264, C>T on the plus strand (G>A on the coding strand, the complement: PCDH12 is on the minus strand). VCF-style: chr5-141956264-C-T. GRCh37 (hg19) VCF-style: chr5-141335829-C-T.
Other names: c.1588G>A (NM_016580.2); short protein forms G530S.
Identifiers: ClinVar variation 2138035 (VCV002138035.5), dbSNP rs773492439, ClinGen allele CA3484379.

ClinVar aggregate classification (germline): Conflicting classifications of pathogenicity. Review status: criteria provided, conflicting classifications (1 of 4 stars). 2 submissions from 2 submitters: Uncertain significance (1); Likely benign (1). Last evaluated 2025-02-07.

Conditions:
Inborn genetic diseases. Identifiers: MedGen C0950123, MeSH D030342.

Allele frequency attached by ClinVar (database versions not stated): TOPMed below 0.00001; ExAC 0.00002; gnomAD exomes 0.00003.
gnomAD v4.1: 38 of 1,614,212 alleles (0.0024%); highest among the groups gnomAD compares: South Asian, 0.0077%; no homozygotes.

Submissions (2):

Ambry Genetics
Classification: Likely benign for Inborn genetic diseases. Last evaluated: 2025-02-07. Review status: criteria provided, single submitter. Criteria: Ambry Variant Classification Scheme 2023. Collection method: clinical testing. Allele origin: germline.

Labcorp Genetics (formerly Invitae), Labcorp
Classification: Uncertain significance. Last evaluated: 2022-03-15. Review status: criteria provided, single submitter. Criteria: Invitae Variant Classification Sherloc (09022015). Collection method: clinical testing. Allele origin: germline.
Comment: In summary, the available evidence is currently insufficient to determine the role of this variant in disease. Therefore, it has been classified as a Variant of Uncertain Significance. Advanced modeling of protein sequence and biophysical properties (such as structural, functional, and spatial information, amino acid conservation, physicochemical variation, residue mobility, and thermodynamic stability) performed at Invitae indicates that this missense variant is not expected to disrupt PCDH12 protein function. This variant has not been reported in the literature in individuals affected with PCDH12-related conditions. This variant is present in population databases (rs773492439, gnomAD 0.01%). This sequence change replaces glycine, which is neutral and non-polar, with serine, which is neutral and polar, at codon 530 of the PCDH12 protein (p.Gly530Ser).